The following is an entry in ClinVar:

ClinVar aggregate classification (germline): Uncertain significance (1 of 4 stars; one submission).

Conditions:
Cryopyrin associated periodic syndrome (CAPS). Identifiers: Orphanet 208650, MedGen C2316212, MONDO:0016168.

Allele frequency attached by ClinVar (database versions not stated): gnomAD exomes below 0.00001; ExAC 0.00001; gnomAD 0.00001; TOPMed 0.00001.
gnomAD v4.1: 3 of 1,613,880 alleles (0.00019%); highest among the groups gnomAD compares: Non-Finnish European, 0.00025%; no homozygotes.

Submission:

Labcorp Genetics (formerly Invitae), Labcorp
Classification: Uncertain significance for Cryopyrin associated periodic syndrome. Last evaluated: 2024-08-19. Review status: criteria provided, single submitter. Criteria: Invitae Variant Classification Sherloc (09022015). Collection method: clinical testing. Allele origin: germline.
Comment: This sequence change replaces glutamic acid, which is acidic and polar, with valine, which is neutral and non-polar, at codon 184 of the NLRP3 protein (p.Glu184Val). This variant is present in population databases (rs761055853, gnomAD 0.002%). This variant has not been reported in the literature in individuals affected with NLRP3-related conditions. ClinVar contains an entry for this variant (Variation ID: 1915134). Invitae Evidence Modeling of protein sequence and biophysical properties (such as structural, functional, and spatial information, amino acid conservation, physicochemical variation, residue mobility, and thermodynamic stability) indicates that this missense variant is expected to disrupt NLRP3 protein function with a positive predictive value of 95%. In summary, the available evidence is currently insufficient to determine the role of this variant in disease. Therefore, it has been classified as a Variant of Uncertain Significance.

NM_001243133.2(NLRP3):c.545A>T (p.Glu182Val)

Gene: NLRP3 (NLR family pyrin domain containing 3; plus strand). Cytogenetic location: 1q44.
Variant type: single nucleotide variant.
Coding change: c.545A>T on transcript NM_001243133.2 (MANE Select); coding-DNA position 545, A replaced by T.
Protein change: p.Glu182Val; replaces glutamic acid 182 with valine.
Molecular consequence: missense variant.
Genome position (GRCh38, 1-based): chr1:247,423,994, A>T. VCF-style: chr1-247423994-A-T. GRCh37 (hg19) VCF-style: chr1-247587296-A-T.
Other names: c.545A>T, p.Glu182Val (NM_001079821.3, NM_001127461.3, NM_001127462.3 and 1 more transcripts); c.551A>T, p.Glu184Val (NM_004895.5); short protein forms E182V, E184V.
Identifiers: ClinVar variation 1915134 (VCV001915134.5), dbSNP rs761055853, ClinGen allele CA1494890.